The following is an entry in ClinVar:

ClinVar aggregate classification (germline): Uncertain significance (1 of 4 stars; one submission).

Conditions:
Ullrich congenital muscular dystrophy 2 (UCMD2). Identifiers: Orphanet 75840, MedGen C4225314, MONDO:0014654, OMIM 616470.
Bethlem myopathy 2 (BTHLM2). Identifiers: Orphanet 536516, Orphanet 610, MedGen C4225313, MONDO:0034022, OMIM 616471.

Submission:

Labcorp Genetics (formerly Invitae), Labcorp
Classification: Uncertain significance for Bethlem myopathy 2; Ullrich congenital muscular dystrophy 2. Last evaluated: 2022-08-19. Review status: criteria provided, single submitter. Criteria: Invitae Variant Classification Sherloc (09022015). Collection method: clinical testing. Allele origin: germline.
Comment: This sequence change replaces aspartic acid, which is acidic and polar, with tyrosine, which is neutral and polar, at codon 2181 of the COL12A1 protein (p.Asp2181Tyr). This variant is not present in population databases (gnomAD no frequency). This variant has not been reported in the literature in individuals affected with COL12A1-related conditions. Algorithms developed to predict the effect of missense changes on protein structure and function are either unavailable or do not agree on the potential impact of this missense change (SIFT: "Deleterious"; PolyPhen-2: "Probably Damaging"; Align-GVGD: "Class C15"). In summary, the available evidence is currently insufficient to determine the role of this variant in disease. Therefore, it has been classified as a Variant of Uncertain Significance.

NM_004370.6(COL12A1):c.6541G>T (p.Asp2181Tyr)

Gene: COL12A1 (collagen type XII alpha 1 chain; minus strand). Cytogenetic location: 6q13.
Variant type: single nucleotide variant.
Coding change: c.6541G>T on transcript NM_004370.6 (MANE Select); coding-DNA position 6541, G replaced by T.
Protein change: p.Asp2181Tyr; replaces aspartic acid 2181 with tyrosine.
Molecular consequence: missense variant.
Genome position (GRCh38, 1-based): chr6:75,125,193, C>A on the plus strand (G>T on the coding strand, the complement: COL12A1 is on the minus strand). VCF-style: chr6-75125193-C-A. GRCh37 (hg19) VCF-style: chr6-75834909-C-A.
Other names: c.3049G>T, p.Asp1017Tyr (NM_080645.3); short protein forms D1017Y, D2181Y.
Identifiers: ClinVar variation 2109211 (VCV002109211.4), dbSNP rs368397177, ClinGen allele CA364729399.